The following is an entry in ClinVar:

NM_005912.3(MC4R):c.392del (p.Ser131fs)

Gene: MC4R (melanocortin 4 receptor; minus strand). Cytogenetic location: 18q21.32.
Variant type: Deletion.
Coding change: c.392del on transcript NM_005912.3 (MANE Select); coding-DNA position 392, one base deleted (G; older notation c.392delG).
Protein change: p.Ser131fs; shifts the reading frame from serine 131.
Molecular consequence: frameshift variant.
Genome position (GRCh38, 1-based): chr18:60,371,958, C deleted on the plus strand (G on the coding strand, the reverse complement: MC4R is on the minus strand). VCF-style (leftmost placement, unchanged base first): chr18-60371957-GC-G. GRCh37 (hg19) VCF-style: chr18-58039190-GC-G.
Other names: short protein forms S131fs.
Identifiers: ClinVar variation 4995031 (VCV004995031.1).
Genomic context (GRCh38, chr18:60,371,957, plus strand): 5'-GATAGTAAAGTACCTGTCCACTGCAATTGAAAGCAGGCTGCAAATGGATGCAAGCAAGGA[GC>G]TACAGATCACCGAGTCAATGACATTATCAATATTCACTGTGAAACTCTGTGCATCCGTAT-3'

ClinVar aggregate classification (germline): Likely pathogenic (1 of 4 stars; one submission).

Conditions:
MC4R-related disorder. Also called: MC4R-related condition.

Submission:

PreventionGenetics, part of Exact Sciences
Classification: Likely pathogenic for MC4R-related condition. Last evaluated: 2025-12-19. Review status: criteria provided, single submitter. Criteria: ACMG Guidelines, 2015. Collection method: clinical testing. Allele origin: germline.
Comment: The MC4R c.392delG variant is predicted to result in a frameshift and premature protein termination (p.Ser131Thrfs*31). To our knowledge, this variant has not been reported in the literature or in a large population database (gnomAD), indicating this variant is rare. Frameshift variants in MC4R are expected to be pathogenic. This variant is interpreted as likely pathogenic.